The following is an entry in ClinVar:

NM_080680.3(COL11A2):c.3832C>T (p.Pro1278Ser)

Gene: COL11A2 (collagen type XI alpha 2 chain; minus strand). Cytogenetic location: 6p21.32.
Variant type: single nucleotide variant.
Coding change: c.3832C>T on transcript NM_080680.3 (MANE Select); coding-DNA position 3832, C replaced by T.
Protein change: p.Pro1278Ser; replaces proline 1278 with serine.
Molecular consequence: missense variant.
Genome position (GRCh38, 1-based): chr6:33,168,975, G>A on the plus strand (C>T on the coding strand, the complement: COL11A2 is on the minus strand). VCF-style: chr6-33168975-G-A. GRCh37 (hg19) VCF-style: chr6-33136752-G-A.
Other names: c.3652C>T, p.Pro1218Ser (NM_001424108.1); c.2986C>T, p.Pro996Ser (NM_001424109.1); c.2806C>T, p.Pro936Ser (NM_001424110.1, NM_001424111.1); c.1786C>T, p.Pro596Ser (NM_001424112.1); c.3511C>T, p.Pro1171Ser (NM_080679.3); c.3574C>T, p.Pro1192Ser (NM_080681.3); short protein forms P1171S, P1278S, P936S, P996S, P1218S, P1192S, P596S.
Identifiers: ClinVar variation 2697172 (VCV002697172.3), dbSNP rs2150532995, ClinGen allele CA363627129.

ClinVar aggregate classification (germline): Uncertain significance (1 of 4 stars; one submission).

Submission:

Labcorp Genetics (formerly Invitae), Labcorp
Classification: Uncertain significance. Last evaluated: 2023-11-18. Review status: criteria provided, single submitter. Criteria: Invitae Variant Classification Sherloc (09022015). Collection method: clinical testing. Allele origin: germline.
Comment: This sequence change replaces proline, which is neutral and non-polar, with serine, which is neutral and polar, at codon 1278 of the COL11A2 protein (p.Pro1278Ser). This variant is not present in population databases (gnomAD no frequency). This variant has not been reported in the literature in individuals affected with COL11A2-related conditions. Advanced modeling of protein sequence and biophysical properties (such as structural, functional, and spatial information, amino acid conservation, physicochemical variation, residue mobility, and thermodynamic stability) performed at Invitae indicates that this missense variant is not expected to disrupt COL11A2 protein function with a negative predictive value of 95%. In summary, the available evidence is currently insufficient to determine the role of this variant in disease. Therefore, it has been classified as a Variant of Uncertain Significance.